The following is an entry in ClinVar:

ClinVar aggregate classification (germline): Conflicting classifications of pathogenicity. Review status: criteria provided, conflicting classifications (1 of 4 stars). 6 submissions from 6 submitters: Uncertain significance (2); Likely benign (3). 1 of the submissions does not count toward it. Last evaluated 2026-06-01.

Conditions:
Charcot-Marie-Tooth disease axonal type 2CC. Also called: CHARCOT-MARIE-TOOTH NEUROPATHY, TYPE 2CC. Identifiers: MedGen C4310790, MONDO:0014836, OMIM 616924.
Amyotrophic lateral sclerosis type 1 (ALS1). Also called: AMYOTROPHIC LATERAL SCLEROSIS 1, FAMILIAL. Identifiers: Orphanet 803, MedGen C1862939, MONDO:0007103, OMIM 105400.
NEFH-related disorder. Also called: NEFH-related condition.
Inborn genetic diseases. Identifiers: MedGen C0950123, MeSH D030342.

Submissions (6):

CeGaT Center for Human Genetics Tuebingen
Classification: Uncertain significance. Last evaluated: 2026-06-01. Review status: criteria provided, single submitter. Criteria: CeGaT Center For Human Genetics Tuebingen Variant Classification Criteria Version 2. Collection method: clinical testing. Allele origin: germline. Affected: yes. Observed: 4 variant alleles.
Comment: NEFH: PM4, PM2:Supporting

Labcorp Genetics (formerly Invitae), Labcorp
Classification: Likely benign. Last evaluated: 2026-01-08. Review status: criteria provided, single submitter. Criteria: Invitae Variant Classification Sherloc (09022015). Collection method: clinical testing. Allele origin: germline.

PreventionGenetics, part of Exact Sciences
Classification: Likely benign for NEFH-related condition. Last evaluated: 2025-01-21. Review status: criteria provided, single submitter. Criteria: ACMG Guidelines, 2015. Collection method: clinical testing. Allele origin: germline.
Comment: This variant is classified as likely benign based on ACMG/AMP sequence variant interpretation guidelines (Richards et al. 2015 PMID: 25741868, with internal and published modifications).

Department of Pathology and Laboratory Medicine, Sinai Health System
Classification: Uncertain significance for Amyotrophic lateral sclerosis type 1; Charcot-Marie-Tooth disease axonal type 2CC. Last evaluated: 2021-10-27. Review status: criteria provided, single submitter. Criteria: ACMG Guidelines, 2015. Collection method: research. Allele origin: germline.

Ambry Genetics
Classification: Likely benign for Inborn genetic diseases. Last evaluated: 2019-10-23. Review status: criteria provided, single submitter. Criteria: Ambry Variant Classification Scheme 2023. Collection method: clinical testing. Allele origin: germline.

Epithelial Biology;  Institute of Medical Biology, Singapore
No classification provided. Review status: no classification provided. Collection method: not provided. Allele origin: not provided. Not counted in ClinVar's aggregate classification.

NM_021076.4(NEFH):c.1989_2006del (p.Glu664_Pro669del)

Gene: NEFH (neurofilament heavy chain; plus strand). Cytogenetic location: 22q12.2.
Variant type: Deletion.
Coding change: c.1989_2006del on transcript NM_021076.4 (MANE Select); coding-DNA positions 1989 to 2006, 18 bases deleted (TGAGAAGGCCAAGTCCCC).
Protein change: p.Glu664_Pro669del.
Molecular consequence: inframe deletion.
Genome position (GRCh38, 1-based): chr22:29,489,629-29,489,646, TGAGAAGGCCAAGTCCCC deleted; deleting any 18 consecutive bases within chr22:29,489,616-29,489,646 gives the same sequence; the c. name uses the placement nearest the transcript's 3' end. VCF-style (leftmost placement, unchanged base first): chr22-29489615-GAGGCCAAGTCCCCTGAGA-G. GRCh37 (hg19) VCF-style: chr22-29885604-GAGGCCAAGTCCCCTGAGA-G.
Identifiers: ClinVar variation 66736 (VCV000066736.21), dbSNP rs267607534, ClinGen allele CA217646.